The following is an entry in ClinVar:

NM_018451.5(CPAP):c.1132C>T (p.Arg378Ter)

Gene: CPAP (centrosome assembly and centriole elongation protein; minus strand). Cytogenetic location: 13q12.13.
Variant type: single nucleotide variant.
Coding change: c.1132C>T on transcript NM_018451.5 (MANE Select); coding-DNA position 1132, C replaced by T.
Protein change: p.Arg378Ter; replaces arginine 378 with a stop codon.
Molecular consequence: nonsense. On other transcripts: non-coding transcript variant (2).
Genome position (GRCh38, 1-based): chr13:24,906,906, G>A on the plus strand (C>T on the coding strand, the complement: CPAP is on the minus strand). VCF-style: chr13-24906906-G-A. GRCh37 (hg19) VCF-style: chr13-25481044-G-A.
Other names: c.1132C>T (NM_018451.4); short protein forms R378*.
Identifiers: ClinVar variation 503611 (VCV000503611.16), dbSNP rs201111299, ClinGen allele CA6919819.

ClinVar aggregate classification (germline): Pathogenic. Review status: criteria provided, multiple submitters, no conflicts (2 of 4 stars). 5 submissions from 5 submitters: Pathogenic (5). Last evaluated 2025-12-10.

Conditions:
Moderate intellectual disability. Also called: Moderate ID; Moderae intellectual disability. Identifiers: MedGen C0026351, HP:0002342.
Primary microcephaly. Also called: Congenital microcephaly. Identifiers: MedGen C2677180, HP:0011451.
Lissencephaly type 3. Identifiers: Orphanet 102011, MedGen C1969029, MONDO:0015148.
Perisylvian polymicrogyria. Identifiers: MedGen C3279675, HP:0012650.
Microcephaly 6, primary, autosomal recessive. Identifiers: Orphanet 2512, MedGen C1842109, MONDO:0012029, OMIM 608393.
CPAP-related condition.

Allele frequency attached by ClinVar (database versions not stated): TOPMed 0.00005; gnomAD 0.00007 and 0.00009; gnomAD exomes 0.00008; ExAC 0.00012; ESP Exome Variant Server 0.00015.
gnomAD v4.1: 128 of 1,613,812 alleles (0.0079%); highest among the groups gnomAD compares: Middle Eastern, 0.016%; no homozygotes.

Submissions (5):

PreventionGenetics, part of Exact Sciences
Classification: Pathogenic for CPAP-related condition. Last evaluated: 2025-12-10. Review status: criteria provided, single submitter. Criteria: ACMG Guidelines, 2015. Collection method: clinical testing. Allele origin: germline.
Comment: The CPAP c.1132C>T variant is predicted to result in premature protein termination (p.Arg378*). This variant has been reported in the compound heterozygous state in an individual with severe primary microcephaly (Cueto-González et al. 2020. PubMed ID: 32549991). This variant is reported in 0.013% of alleles in individuals of European (Non-Finnish) descent in gnomAD. Nonsense variants in CPAP are expected to be pathogenic. This variant is interpreted as pathogenic.

Women's Health and Genetics/Laboratory Corporation of America, LabCorp
Classification: Pathogenic for Microcephaly 6, primary, autosomal recessive. Last evaluated: 2025-05-29. Review status: criteria provided, single submitter. Criteria: LabCorp Variant Classification Summary - May 2015. Collection method: clinical testing. Allele origin: germline.
Comment: Variant summary: CENPJ c.1132C>T (p.Arg378X) results in a premature termination codon, predicted to cause a truncation of the encoded protein or absence of the protein due to nonsense mediated decay, which are commonly known mechanisms for disease. The variant allele was found at a frequency of 8.4e-05 in 250088 control chromosomes. This frequency is not significantly higher than estimated for a pathogenic variant in CENPJ causing Microcephaly 6, Primary, Autosomal Recessive, allowing no conclusion about variant significance. c.1132C>T has been observed in the compound heterozygous state in at least one individual affected with Microcephaly 6, Primary, Autosomal Recessive (Cueto-Gonzalez_2020). To our knowledge, no experimental evidence demonstrating an impact on protein function has been reported. The following publication have been ascertained in the context of this evaluation (PMID: 32549991). ClinVar contains an entry for this variant (Variation ID: 503611). Based on the evidence outlined above, the variant was classified as pathogenic.

Labcorp Genetics (formerly Invitae), Labcorp
Classification: Pathogenic. Last evaluated: 2025-05-13. Review status: criteria provided, single submitter. Criteria: Invitae Variant Classification Sherloc (09022015). Collection method: clinical testing. Allele origin: germline.
Comment: This sequence change creates a premature translational stop signal (p.Arg378*) in the CENPJ gene. It is expected to result in an absent or disrupted protein product. Loss-of-function variants in CENPJ are known to be pathogenic (PMID: 15793586, 16900296, 20522431). This variant is present in population databases (rs201111299, gnomAD 0.01%). This premature translational stop signal has been observed in individual(s) with CENPJ-related conditions (PMID: 32549991). ClinVar contains an entry for this variant (Variation ID: 503611). For these reasons, this variant has been classified as Pathogenic.

GeneDx
Classification: Pathogenic. Last evaluated: 2023-10-31. Review status: criteria provided, single submitter. Criteria: GeneDx Variant Classification Process June 2021. Collection method: clinical testing. Allele origin: germline. Affected: yes.
Comment: Nonsense variant predicted to result in protein truncation or nonsense mediated decay in a gene for which loss of function is a known mechanism of disease; Not observed at significant frequency in large population cohorts (gnomAD); This variant is associated with the following publications: (PMID: 31589614, 32242007, 36334884, 32549991)

Area of Clinical and Molecular Genetics, Hospital Universitario Vall de Hebron
Classification: Pathogenic for Primary microcephaly; Microlissencephaly; Perisylvian polymicrogyria; Moderate intellectual disability. Last evaluated: 2019-08-26. Review status: criteria provided, single submitter. Criteria: ACMG Guidelines, 2015. Collection method: clinical testing. Allele origin: paternal. Inheritance: Autosomal recessive inheritance. Affected: yes. Observed: 1 compound heterozygote.
Comment: Variant found in trans with the pathogenic variant NM_018451.5:c.289dupA on CENPJ gene

Literature cited by the submitters: PubMed 32549991 (cited by Women's Health and Genetics/Laboratory Corporation of America, LabCorp and Labcorp Genetics (formerly Invitae), Labcorp); PubMed 15793586 (cited by Labcorp Genetics (formerly Invitae), Labcorp); PubMed 16900296 (cited by Labcorp Genetics (formerly Invitae), Labcorp); PubMed 20522431 (cited by Labcorp Genetics (formerly Invitae), Labcorp).